The following is an entry in ClinVar:

ClinVar aggregate classification (somatic clinical impact): Tier I - Strong. Review status: criteria provided, multiple submitters. 2 submissions from 2 submitters. Last evaluated 2026-04-22.

Conditions:
Spindle cell rhabdomyosarcoma. Identifiers: MedGen C1266134, MONDO:0002581.
Rhabdomyosarcoma. Also called: Rhabdomyosarcoma (disease). Identifiers: Orphanet 780, MedGen C0035412, MeSH D012208, MONDO:0005212, HP:0002859.

Submissions (2):

CIViC Knowledgebase, Washington University School of Medicine
Classification: Tier I - Strong for Spindle Cell Rhabdomyosarcoma. Assertion type: diagnostic. Clinical significance: supports diagnosis. Last evaluated: 2026-04-22. Review status: criteria provided, single submitter. Criteria: AMP/ASCO/CAP Guidelines, 2017. Collection method: curation. Allele origin: somatic.
Comment: Spindle cell and sclerosing rhabdomyosarcomas harboring MYOD1 p.L122R mutations are a distinct and often aggressive entity that occurs across pediatric and adult age groups. The MYOD1 p.L122R mutation is a recurrent hotspot mutation that serves as a primary oncogenic driver. In a study of 49 rhabdomyosarcoma cases, all 10 cases that were positive for L122R were either spindle cell or sclerosing subtypes of RMS (civic.EID:8193), and L122R is found at high frequencies in these subtypes (civic.EID:11582, civic.EID:11585). Professional guidelines (WHO) list the detection of MYOD1 mutation as a diagnostic criterion for spindle cell/sclerosing rhabdomyosarcoma (WHO Classification of Tumors, 5th Edition; Soft Tissue and Bone Tumors).

Institute for Genomic Medicine (IGM) Clinical Laboratory, Nationwide Children's Hospital
Classification: Tier I - Strong for Rhabdomyosarcoma. Assertion type: diagnostic. Clinical significance: supports diagnosis. Last evaluated: 2024-09-14. Review status: criteria provided, single submitter. Criteria: AMP/ASCO/CAP Guidelines, 2017. Collection method: clinical testing. Allele origin: somatic. Affected: yes.
Comment: Variant has Tier I (strong) clinical significance as a diagnostic inclusion criterion in rhabdomyosarcoma, based on the following evidence: 1) Diagnostic for a specific tumor type/classification based on well-powered studies with expert-level consensus (Evidence Level B; PMIDs: 34166060, 24793135, 24824843, 24272621, 30181563, 27562493).

Literature cited by the submitters: PubMed 34166060 (cited by Institute for Genomic Medicine (IGM) Clinical Laboratory, Nationwide Children's Hospital); PubMed 24793135 (cited by Institute for Genomic Medicine (IGM) Clinical Laboratory, Nationwide Children's Hospital); PubMed 24824843 (cited by Institute for Genomic Medicine (IGM) Clinical Laboratory, Nationwide Children's Hospital); PubMed 24272621 (cited by Institute for Genomic Medicine (IGM) Clinical Laboratory, Nationwide Children's Hospital); PubMed 30181563 (cited by Institute for Genomic Medicine (IGM) Clinical Laboratory, Nationwide Children's Hospital); PubMed 27562493 (cited by Institute for Genomic Medicine (IGM) Clinical Laboratory, Nationwide Children's Hospital).

NM_002478.5(MYOD1):c.365T>G (p.Leu122Arg)

Gene: MYOD1 (myogenic differentiation 1; plus strand). Cytogenetic location: 11p15.1.
Variant type: single nucleotide variant.
Coding change: c.365T>G on transcript NM_002478.5 (MANE Select); coding-DNA position 365, T replaced by G.
Protein change: p.Leu122Arg; replaces leucine 122 with arginine.
Molecular consequence: missense variant.
Genome position (GRCh38, 1-based): chr11:17,720,147, T>G. VCF-style: chr11-17720147-T-G. GRCh37 (hg19) VCF-style: chr11-17741694-T-G.
Other names: LEU122ARG; short protein forms L122R.
Identifiers: ClinVar variation 4530455 (VCV004530455.2).